The following is an entry in ClinVar:

ClinVar aggregate classification (germline): Uncertain significance (1 of 4 stars; one submission).

Conditions:
Severe combined immunodeficiency due to DNA-PKcs deficiency. Also called: IMMUNODEFICIENCY 26 WITH NEUROLOGIC ABNORMALITIES; Immunodeficiency 26 with or without neurologic abnormalities. Identifiers: Orphanet 317425, MedGen C4014833, MONDO:0014423, OMIM 615966.

Allele frequency attached by ClinVar (database versions not stated): ExAC 0.00003; gnomAD exomes 0.00004 and 0.00010; gnomAD 0.00005 and 0.00006; TOPMed 0.00005.
gnomAD v4.1: 144 of 1,613,680 alleles (0.0089%); highest among the groups gnomAD compares: Non-Finnish European, 0.011%; no homozygotes.

Submission:

Labcorp Genetics (formerly Invitae), Labcorp
Classification: Uncertain significance for Severe combined immunodeficiency due to DNA-PKcs deficiency. Last evaluated: 2022-07-25. Review status: criteria provided, single submitter. Criteria: Invitae Variant Classification Sherloc (09022015). Collection method: clinical testing. Allele origin: germline.
Comment: This sequence change replaces asparagine, which is neutral and polar, with serine, which is neutral and polar, at codon 3660 of the PRKDC protein (p.Asn3660Ser). This variant is present in population databases (rs762741199, gnomAD 0.006%). This variant has not been reported in the literature in individuals affected with PRKDC-related conditions. ClinVar contains an entry for this variant (Variation ID: 565374). Algorithms developed to predict the effect of missense changes on protein structure and function output the following: SIFT: "Not Available"; PolyPhen-2: "Not Available"; Align-GVGD: "Not Available". The serine amino acid residue is found in multiple mammalian species, which suggests that this missense change does not adversely affect protein function. In summary, the available evidence is currently insufficient to determine the role of this variant in disease. Therefore, it has been classified as a Variant of Uncertain Significance.

NM_006904.7(PRKDC):c.10979A>G (p.Asn3660Ser)

Gene: PRKDC (protein kinase, DNA-activated, catalytic subunit; minus strand). Cytogenetic location: 8q11.21.
Variant type: single nucleotide variant.
Coding change: c.10979A>G on transcript NM_006904.7 (MANE Select); coding-DNA position 10979, A replaced by G.
Protein change: p.Asn3660Ser; replaces asparagine 3660 with serine.
Molecular consequence: missense variant.
Genome position (GRCh38, 1-based): chr8:47,785,241, T>C on the plus strand (A>G on the coding strand, the complement: PRKDC is on the minus strand). VCF-style: chr8-47785241-T-C. GRCh37 (hg19) VCF-style: chr8-48697802-T-C.
Other names: c.10979A>G, p.Asn3660Ser (NM_001081640.2); short protein forms N3660S.
Identifiers: ClinVar variation 565374 (VCV000565374.4), dbSNP rs762741199, ClinGen allele CA4739213.